The following is an entry in ClinVar:

ClinVar aggregate classification (germline): Uncertain significance (1 of 4 stars; one submission).

Submission:

Labcorp Genetics (formerly Invitae), Labcorp
Classification: Uncertain significance. Last evaluated: 2025-04-28. Review status: criteria provided, single submitter. Criteria: Invitae Variant Classification Sherloc (09022015). Collection method: clinical testing. Allele origin: germline.
Comment: This sequence change creates a premature translational stop signal (p.Trp429Glyfs*53) in the DGAT1 gene. While this is not anticipated to result in nonsense mediated decay, it is expected to disrupt the last 62 amino acid(s) of the DGAT1 protein. This variant is not present in population databases (gnomAD no frequency). This variant has not been reported in the literature in individuals affected with DGAT1-related conditions. Experimental studies and prediction algorithms are not available or were not evaluated, and the functional significance of this variant is currently unknown. In summary, the available evidence is currently insufficient to determine the role of this variant in disease. Therefore, it has been classified as a Variant of Uncertain Significance.

NM_012079.6(DGAT1):c.1285_1286del (p.Trp429fs)

Gene: DGAT1 (diacylglycerol O-acyltransferase 1; minus strand). Cytogenetic location: 8q24.3.
Variant type: Deletion.
Coding change: c.1285_1286del on transcript NM_012079.6 (MANE Select); coding-DNA positions 1285 to 1286, 2 bases deleted (TG; older notation c.1285_1286delTG).
Protein change: p.Trp429fs; shifts the reading frame from tryptophan 429.
Molecular consequence: frameshift variant.
Genome position (GRCh38, 1-based): chr8:144,316,878-144,316,879, CA deleted on the plus strand (TG on the coding strand, the reverse complement: DGAT1 is on the minus strand). VCF-style (leftmost placement, unchanged base first): chr8-144316877-CCA-C. GRCh37 (hg19) VCF-style: chr8-145540540-CCA-C.
Other names: short protein forms W429fs.
Identifiers: ClinVar variation 4714805 (VCV004714805.1).
Genomic context (GRCh38, chr8:144,316,877, plus strand): 5'-CTGGGCGAGTGAGGAGGCCACGTGGGGGTCACTCACCTGAGCCATCATGCCCGTGAACGC[CCA>C]GAGGCGGAACATTCGCAGAGGGACGCTCACCAGGTACTGAGATGGGAGGGAGAGAGGATG-3'